The following is an entry in ClinVar:

NM_000264.5(PTCH1):c.3091T>G (p.Phe1031Val)

Gene: PTCH1 (patched 1; minus strand). Cytogenetic location: 9q22.32.
Variant type: single nucleotide variant.
Coding change: c.3091T>G on transcript NM_000264.5 (MANE Select); coding-DNA position 3091, T replaced by G.
Protein change: p.Phe1031Val; replaces phenylalanine 1031 with valine.
Molecular consequence: missense variant. On other transcripts: non-coding transcript variant (1).
Genome position (GRCh38, 1-based): chr9:95,458,090, A>C on the plus strand (T>G on the coding strand, the complement: PTCH1 is on the minus strand). VCF-style: chr9-95458090-A-C. GRCh37 (hg19) VCF-style: chr9-98220372-A-C.
Other names: c.2893T>G, p.Phe965Val (NM_001083602.3); c.3088T>G, p.Phe1030Val (NM_001083603.3); c.2638T>G, p.Phe880Val (NM_001083604.3, NM_001083605.3, NM_001083606.3 and 1 more transcripts); c.2935T>G, p.Phe979Val (NM_001354918.2); short protein forms F1031V, F965V, F1030V, F880V, F979V.
Identifiers: ClinVar variation 2564412 (VCV002564412.2), dbSNP rs1255292994, ClinGen allele CA374112413.
Genomic context (GRCh38, chr9:95,458,090, plus strand): 5'-AGGGGTTCAGAAGGAAGACAGCGCACACGAGGAATGTGCAGGCCAACACCACGCTGATGA[A>C]CAGCAGCAGCCAGTGGCGGAGGCCGATGTACTGCTCCCAGAAGAGGAAGGGGTAGCCGTT-3'
Protein context (NP_000255.2, residues 1021-1041): YIGLRHWLLL[Phe1031Val]ISVVLACTFL

ClinVar aggregate classification (germline): Uncertain significance (1 of 4 stars; one submission).

Conditions:
Hereditary cancer-predisposing syndrome. Also called: Neoplastic Syndromes, Hereditary; Hereditary Cancer Syndrome; Hereditary neoplastic syndrome; Tumor predisposition. Identifiers: Orphanet 140162, MedGen C0027672, MeSH D009386, MONDO:0015356.

Allele frequency attached by ClinVar (database versions not stated): gnomAD 0.00001.
gnomAD v4.1: 1 of 1,614,102 alleles (0.000062%); highest among the groups gnomAD compares: African/African-American, 0.0013%; no homozygotes.

Submission:

Ambry Genetics
Classification: Uncertain significance for Hereditary cancer-predisposing syndrome. Last evaluated: 2023-06-08. Review status: criteria provided, single submitter. Criteria: Ambry Variant Classification Scheme 2023. Collection method: clinical testing. Allele origin: germline.
Comment: The p.F1031V variant (also known as c.3091T>G), located in coding exon 18 of the PTCH1 gene, results from a T to G substitution at nucleotide position 3091. The phenylalanine at codon 1031 is replaced by valine, an amino acid with highly similar properties. This amino acid position is conserved. In addition, this alteration is predicted to be tolerated by in silico analysis. Since supporting evidence is limited at this time, the clinical significance of this alteration remains unclear.